The following is an entry in ClinVar:

NM_025193.4(HSD3B7):c.715G>C (p.Val239Leu)

Gene: HSD3B7 (hydroxy-delta-5-steroid dehydrogenase, 3 beta- and steroid delta-isomerase 7; plus strand). Cytogenetic location: 16p11.2.
Variant type: single nucleotide variant.
Coding change: c.715G>C on transcript NM_025193.4 (MANE Select); coding-DNA position 715, G replaced by C.
Protein change: p.Val239Leu; replaces valine 239 with leucine.
Molecular consequence: missense variant. On other transcripts: synonymous variant (2).
Genome position (GRCh38, 1-based): chr16:30,987,788, G>C. VCF-style: chr16-30987788-G-C. GRCh37 (hg19) VCF-style: chr16-30999109-G-C.
Other names: c.552G>C, p.Thr184= (NM_001142777.2, NM_001142778.2); short protein forms V239L.
Identifiers: ClinVar variation 4985403 (VCV004985403.1).
Genomic context (GRCh38, chr16:30,987,788, plus strand): 5'-GCACTCAGGGGTGTGTCCGCCTCTCTTCCGCCACCGGCAGGCAATGTTGCCTGGATGCAC[G>C]TGCTGGCAGCCCGGGAGCTGGAGCAGCGGGCAACCCTGATGGGCGGCCAGGTATACTTCT-3'
Protein context (NP_079469.2, residues 229-249): VYVGNVAWMH[Val239Leu]LAARELEQRA

ClinVar aggregate classification (germline): Uncertain significance (1 of 4 stars; one submission).

Conditions:
HSD3B7-related disorder. Also called: HSD3B7-related condition.

Submission:

PreventionGenetics, part of Exact Sciences
Classification: Uncertain significance for HSD3B7-related condition. Last evaluated: 2025-10-21. Review status: criteria provided, single submitter. Criteria: ACMG Guidelines, 2015. Collection method: clinical testing. Allele origin: germline.
Comment: The HSD3B7 c.715G>C variant is predicted to result in the amino acid substitution p.Val239Leu. To our knowledge, this variant has not been reported in the literature or in a large population database (gnomAD), indicating this variant is rare. At this time, the clinical significance of this variant is uncertain due to the absence of conclusive functional and genetic evidence.